The following is an entry in ClinVar:

NM_004369.4(COL6A3):c.7851C>T (p.Asp2617=)

Gene: COL6A3 (collagen type VI alpha 3 chain; minus strand). Cytogenetic location: 2q37.3.
Variant type: single nucleotide variant.
Coding change: c.7851C>T on transcript NM_004369.4 (MANE Select); coding-DNA position 7851, C replaced by T.
Protein change: p.Asp2617=; no amino-acid change (aspartic acid 2617 retained).
Molecular consequence: synonymous variant.
Genome position (GRCh38, 1-based): chr2:237,341,065, G>A on the plus strand (C>T on the coding strand, the complement: COL6A3 is on the minus strand). VCF-style: chr2-237341065-G-A. GRCh37 (hg19) VCF-style: chr2-238249708-G-A.
Other names: c.6030C>T, p.Asp2010= (NM_057166.5); c.7233C>T, p.Asp2411= (NM_057167.4).
Identifiers: ClinVar variation 767541 (VCV000767541.7), dbSNP rs1235022762, ClinGen allele CA431675150.
Genomic context (GRCh38, chr2:237,341,065, plus strand): 5'-CTCATTGAACTGGAACAGGGTGGTGGTCTCAGCGCTGTCTAAGATGAAAGCCATGTCGAT[G>A]TCCACATCGCTCCCTGCCGCTCTCCTGTCCCTGAAGGAAGGCCTCCAACTGCCAAATCCA-3'
Protein context (NP_004360.2, residues 2607-2627): RDRRAAGSDV[Asp2617=]IDMAFILDSA

ClinVar aggregate classification (germline): Likely benign. Review status: criteria provided, multiple submitters, no conflicts (2 of 4 stars). 2 submissions from 2 submitters: Likely benign (2). Last evaluated 2025-10-09.

Conditions:
Bethlem myopathy 1A. Also called: Bethlem Muscular Dystrophy; MYOPATHY, BENIGN CONGENITAL, WITH CONTRACTURES; Bethlem myopathy 1. Identifiers: Orphanet 610, MedGen CN029274, MONDO:0024530, OMIM 158810.
COL6A3-related disorder. Also called: COL6A3-related disorders; COL6A3-related condition.

Allele frequency attached by ClinVar (database versions not stated): TOPMed 0.00001.
gnomAD v4.1: 2 of 1,614,028 alleles (0.00012%); highest among the groups gnomAD compares: Non-Finnish European, 0.00017%; no homozygotes.

Submissions (2):

Labcorp Genetics (formerly Invitae), Labcorp
Classification: Likely benign for Bethlem myopathy 1A. Last evaluated: 2025-10-09. Review status: criteria provided, single submitter. Criteria: Invitae Variant Classification Sherloc (09022015). Collection method: clinical testing. Allele origin: germline.

PreventionGenetics, part of Exact Sciences
Classification: Likely benign for COL6A3-related condition. Last evaluated: 2025-07-29. Review status: criteria provided, single submitter. Criteria: ACMG Guidelines, 2015. Collection method: clinical testing. Allele origin: germline.
Comment: This variant is classified as likely benign based on ACMG/AMP sequence variant interpretation guidelines (Richards et al. 2015 PMID: 25741868, with internal and published modifications).